The following is an entry in ClinVar:

ClinVar aggregate classification (germline): Uncertain significance. Review status: criteria provided, multiple submitters, no conflicts (2 of 4 stars). 2 submissions from 2 submitters: Uncertain significance (2). Last evaluated 2023-12-05.

Conditions:
Hereditary cancer-predisposing syndrome. Also called: Hereditary Cancer Syndrome; Neoplastic Syndromes, Hereditary; Tumor predisposition; Hereditary neoplastic syndrome. Identifiers: Orphanet 140162, MedGen C0027672, MeSH D009386, MONDO:0015356.

Submissions (2):

Color Diagnostics, LLC DBA Color Health
Classification: Uncertain significance for Hereditary cancer-predisposing syndrome. Last evaluated: 2023-12-05. Review status: criteria provided, single submitter. Criteria: ACMG Guidelines, 2015. Collection method: clinical testing. Allele origin: germline.
Comment: This missense variant replaces isoleucine with asparagine at codon 519 of the BRIP1 protein. Computational prediction suggests that this variant may have deleterious impact on protein structure and function (internally defined REVEL score threshold >= 0.7, PMID: 27666373). To our knowledge, functional studies have not been reported for this variant. This variant has not been reported in individuals affected with BRIP1-related disorders in the literature. This variant has not been identified in the general population by the Genome Aggregation Database (gnomAD). The available evidence is insufficient to determine the role of this variant in disease conclusively. Therefore, this variant is classified as a Variant of Uncertain Significance.

Ambry Genetics
Classification: Uncertain significance for Hereditary cancer-predisposing syndrome. Last evaluated: 2022-07-26. Review status: criteria provided, single submitter. Criteria: Ambry Variant Classification Scheme 2023. Collection method: clinical testing. Allele origin: germline.
Comment: The p.I519N variant (also known as c.1556T>A), located in coding exon 10 of the BRIP1 gene, results from a T to A substitution at nucleotide position 1556. The isoleucine at codon 519 is replaced by asparagine, an amino acid with dissimilar properties. This amino acid position is conserved. In addition, the in silico prediction for this alteration is inconclusive. Since supporting evidence is limited at this time, the clinical significance of this alteration remains unclear.

NM_032043.3(BRIP1):c.1556T>A (p.Ile519Asn)

Gene: BRIP1 (BRCA1 interacting DNA helicase 1; minus strand). Cytogenetic location: 17q23.2.
Variant type: single nucleotide variant.
Coding change: c.1556T>A on transcript NM_032043.3 (MANE Select); coding-DNA position 1556, T replaced by A.
Protein change: p.Ile519Asn; replaces isoleucine 519 with asparagine.
Molecular consequence: missense variant.
Genome position (GRCh38, 1-based): chr17:61,784,342, A>T on the plus strand (T>A on the coding strand, the complement: BRIP1 is on the minus strand). VCF-style: chr17-61784342-A-T. GRCh37 (hg19) VCF-style: chr17-59861703-A-T.
Other names: short protein forms I519N.
Identifiers: ClinVar variation 489813 (VCV000489813.8), dbSNP rs1555603538, ClinGen allele CA400481175.
Genomic context (GRCh38, chr17:61,784,342, plus strand): 5'-CTAAAAAGATAGTCAAGTACCATAAAAAGTCCTTTAAGCATTATTTGAGTTGATGCACTA[A>T]TAACAGGTACTTCTCTTGCCTCCTCTTTACCATAAATTGGTGAGATTTTTTCCTCTTTTT-3'
Protein context (NP_114432.2, residues 509-529): GKEEAREVPV[Ile519Asn]SASTQIMLKG